The following is an entry in ClinVar:

ClinVar aggregate classification (germline): Uncertain significance (1 of 4 stars; one submission).
ClinVar aggregate classification (oncogenicity): Uncertain significance (1 of 4 stars; one submission).

Conditions:
Hereditary cancer-predisposing syndrome. Also called: Neoplastic Syndromes, Hereditary; Tumor predisposition; Hereditary Cancer Syndrome; Hereditary neoplastic syndrome. Identifiers: Orphanet 140162, MedGen C0027672, MeSH D009386, MONDO:0015356.
Neoplasm. Also called: tumor; Neoplasms; Neoplasm (disease). Identifiers: MedGen C0027651, MeSH D009369, MONDO:0005070, HP:0002664.

Submissions (2):

Center for Genomic Medicine, Rigshospitalet, Copenhagen University Hospital
Classification: Uncertain significance for Neoplasm. Last evaluated: 2025-12-29. Review status: criteria provided, single submitter. Criteria: ClinGen/CGC/VICC Guidelines for Oncogenicity, 2022. Collection method: clinical testing. Allele origin: somatic. Affected: yes.

Ambry Genetics
Classification: Uncertain significance for Hereditary cancer-predisposing syndrome. Last evaluated: 2025-07-25. Review status: criteria provided, single submitter. Criteria: Ambry Variant Classification Scheme 2023. Collection method: clinical testing. Allele origin: germline.
Comment: The p.G751A variant (also known as c.2252G>C), located in coding exon 12 of the RET gene, results from a G to C substitution at nucleotide position 2252. The glycine at codon 751 is replaced by alanine, an amino acid with similar properties. This amino acid position is conserved. In addition, this alteration is predicted to be deleterious by in silico analysis. Based on the available evidence, the clinical significance of this variant remains unclear.

Literature cited by the submitters: PubMed 26395553 (cited by Center for Genomic Medicine, Rigshospitalet, Copenhagen University Hospital); PubMed 22837065 (cited by Center for Genomic Medicine, Rigshospitalet, Copenhagen University Hospital).

NM_020975.6(RET):c.2252G>C (p.Gly751Ala)

Gene: RET (ret proto-oncogene; plus strand). Cytogenetic location: 10q11.21.
Variant type: single nucleotide variant.
Coding change: c.2252G>C on transcript NM_020975.6 (MANE Select); coding-DNA position 2252, G replaced by C.
Protein change: p.Gly751Ala; replaces glycine 751 with alanine.
Molecular consequence: missense variant.
Genome position (GRCh38, 1-based): chr10:43,116,699, G>C. VCF-style: chr10-43116699-G-C. GRCh37 (hg19) VCF-style: chr10-43612147-G-C.
Other names: c.2123G>C, p.Gly708Ala (NM_001406764.1, NM_001406761.1, NM_001406762.1); c.2117G>C, p.Gly706Ala (NM_001406765.1, NM_001406763.1); c.1964G>C, p.Gly655Ala (NM_001406766.1, NM_001406767.1, NM_001406770.1); c.1988G>C, p.Gly663Ala (NM_001406768.1); c.1856G>C, p.Gly619Ala (NM_001406769.1, NM_001406772.1); c.1814G>C, p.Gly605Ala (NM_001406771.1, NM_001406773.1); c.1226G>C, p.Gly409Ala (NM_001406783.1, NM_001406786.1); c.1262G>C, p.Gly421Ala (NM_001406784.1); and 10 more; short protein forms G268A, G356A, G407A, G409A, G605A, G316A, G412A, G497A.
Identifiers: ClinVar variation 4152780 (VCV004152780.2).
Genomic context (GRCh38, chr10:43,116,699, plus strand): 5'-GAGAAGGCGAATTTGGAAAAGTGGTCAAGGCAACGGCCTTCCATCTGAAAGGCAGAGCAG[G>C]GTACACCACGGTGGCCGTGAAGATGCTGAAAGGTACCTGCCAGGCACAGGCACAGTGCCC-3'
Protein context (NP_066124.1, residues 741-761): ATAFHLKGRA[Gly751Ala]YTTVAVKMLK